The following is an entry in ClinVar:

ClinVar aggregate classification (germline): Uncertain significance. Review status: criteria provided, multiple submitters, no conflicts (2 of 4 stars). 2 submissions from 2 submitters: Uncertain significance (2). Last evaluated 2022-06-13.

Conditions:
Short-rib thoracic dysplasia 10 with or without polydactyly (SRTD10). Identifiers: Orphanet 474, MedGen C3810175, MONDO:0014284, OMIM 615630.
Retinitis pigmentosa 71 (RP71). Identifiers: Orphanet 791, MedGen C4225342, MONDO:0014618, OMIM 616394.
Bardet-Biedl syndrome 20. Identifiers: MedGen C4310707, MONDO:0023670, OMIM 619471, MONDO:0014926.

Allele frequency attached by ClinVar (database versions not stated): TOPMed 0.00001.
gnomAD v4.1: 17 of 1,610,658 alleles (0.0011%); highest among the groups gnomAD compares: Admixed American, 0.0017%; no homozygotes.

Submissions (2):

Labcorp Genetics (formerly Invitae), Labcorp
Classification: Uncertain significance for Retinitis pigmentosa 71; Short-rib thoracic dysplasia 10 with or without polydactyly. Last evaluated: 2022-06-13. Review status: criteria provided, single submitter. Criteria: Invitae Variant Classification Sherloc (09022015). Collection method: clinical testing. Allele origin: germline.
Comment: In summary, the available evidence is currently insufficient to determine the role of this variant in disease. Therefore, it has been classified as a Variant of Uncertain Significance. Algorithms developed to predict the effect of sequence changes on RNA splicing suggest that this variant may disrupt the consensus splice site. Algorithms developed to predict the effect of missense changes on protein structure and function are either unavailable or do not agree on the potential impact of this missense change (SIFT: "Deleterious"; PolyPhen-2: "Possibly Damaging"; Align-GVGD: "Class C0"). ClinVar contains an entry for this variant (Variation ID: 1003692). This variant has not been reported in the literature in individuals affected with IFT172-related conditions. This variant is not present in population databases (gnomAD no frequency). This sequence change replaces arginine, which is basic and polar, with cysteine, which is neutral and slightly polar, at codon 444 of the IFT172 protein (p.Arg444Cys).

Fulgent Genetics
Classification: Uncertain significance for Short-rib thoracic dysplasia 10 with or without polydactyly; Retinitis pigmentosa 71; Bardet-Biedl syndrome 20. Last evaluated: 2022-01-07. Review status: criteria provided, single submitter. Criteria: ACMG Guidelines, 2015. Collection method: clinical testing. Allele origin: unknown.

NM_015662.3(IFT172):c.1330C>T (p.Arg444Cys)

Gene: IFT172 (intraflagellar transport 172; minus strand). Cytogenetic location: 2p23.3.
Variant type: single nucleotide variant.
Coding change: c.1330C>T on transcript NM_015662.3 (MANE Select); coding-DNA position 1330, C replaced by T.
Protein change: p.Arg444Cys; replaces arginine 444 with cysteine.
Molecular consequence: missense variant.
Genome position (GRCh38, 1-based): chr2:27,476,722, G>A on the plus strand (C>T on the coding strand, the complement: IFT172 is on the minus strand). VCF-style: chr2-27476722-G-A. GRCh37 (hg19) VCF-style: chr2-27699589-G-A.
Other names: short protein forms R444C.
Identifiers: ClinVar variation 1003692 (VCV001003692.8), dbSNP rs1038040281, ClinGen allele CA346393141.